The following is an entry in ClinVar:

NM_000038.6(APC):c.573T>A (p.Tyr191Ter)

Gene: APC (APC regulator of Wnt signaling pathway; plus strand). Cytogenetic location: 5q22.2.
Variant type: single nucleotide variant.
Coding change: c.573T>A on transcript NM_000038.6 (MANE Select); coding-DNA position 573, T replaced by A.
Protein change: p.Tyr191Ter; replaces tyrosine 191 with a stop codon.
Molecular consequence: nonsense. On other transcripts: 5 prime UTR variant (1).
Genome position (GRCh38, 1-based): chr5:112,780,831, T>A. VCF-style: chr5-112780831-T-A. GRCh37 (hg19) VCF-style: chr5-112116528-T-A.
Other names: c.573T>A, p.Tyr191Ter (NM_001127510.3, NM_001354895.2, NM_001354896.2 and 2 more transcripts); c.603T>A, p.Tyr201Ter (NM_001127511.3, NM_001354897.2, NM_001354902.2); c.498T>A, p.Tyr166Ter (NM_001354898.2, NM_001354904.2); c.396T>A, p.Tyr132Ter (NM_001354900.2, NM_001354901.2, NM_001354905.2); c.-463T>A (NM_001354906.2); short protein forms Y191*, Y201*, Y132*, Y166*.
Identifiers: ClinVar variation 265415 (VCV000265415.3), dbSNP rs185154886, ClinGen allele CA10588377.

ClinVar aggregate classification (germline): Pathogenic/Likely pathogenic. Review status: criteria provided, multiple submitters, no conflicts (2 of 4 stars). 2 submissions from 2 submitters: Pathogenic (1); Likely pathogenic (1). Last evaluated 2025-03-04.

Conditions:
Familial adenomatous polyposis 1 (FAP1). Also called: FAMILIAL ADENOMATOUS POLYPOSIS 1, ATTENUATED; POLYPOSIS, ADENOMATOUS INTESTINAL. Identifiers: MedGen C2713442, MONDO:0021056, OMIM 175100. Disease mechanism: loss of function.

Submissions (2):

Labcorp Genetics (formerly Invitae), Labcorp
Classification: Pathogenic for Familial adenomatous polyposis 1. Last evaluated: 2025-03-04. Review status: criteria provided, single submitter. Criteria: Invitae Variant Classification Sherloc (09022015). Collection method: clinical testing. Allele origin: germline.
Comment: This sequence change creates a premature translational stop signal (p.Tyr191*) in the APC gene. It is expected to result in an absent or disrupted protein product. Loss-of-function variants in APC are known to be pathogenic (PMID: 17963004, 20685668). This variant is not present in population databases (gnomAD no frequency). This premature translational stop signal has been observed in individual(s) with familial adenomatous polyposis (PMID: 35189564). ClinVar contains an entry for this variant (Variation ID: 265415). For these reasons, this variant has been classified as Pathogenic.

GeneDx
Classification: Likely pathogenic. Last evaluated: 2015-11-12. Review status: criteria provided, single submitter. Criteria: GeneDx Variant Classification (06012015). Collection method: clinical testing. Allele origin: germline. Affected: yes.
Comment: This variant is denoted APC c.573T>A at the cDNA level and p.Tyr191Ter (Y191X) at the protein level.The substitution creates a nonsense variant, which changes a Tyrosine to a premature stop codon (TAT>TAA), and ispredicted to cause loss of normal protein function through either protein truncation or nonsense-mediated mRNA decay.Although this variant has not, to our knowledge, been reported in the literature, it is considered likely pathogenic.

Literature cited by the submitters: PubMed 17963004 (cited by Labcorp Genetics (formerly Invitae), Labcorp); PubMed 20685668 (cited by Labcorp Genetics (formerly Invitae), Labcorp); PubMed 35189564 (cited by Labcorp Genetics (formerly Invitae), Labcorp).